The following is an entry in ClinVar:

NM_001114753.3(ENG):c.1455G>A (p.Glu485=)

Genes: ENG (endoglin; minus strand), LOC102723566 (uncharacterized LOC102723566; plus strand). Cytogenetic location: 9q34.11.
Variant type: single nucleotide variant.
Coding change: c.1455G>A on transcript NM_001114753.3 (MANE Select); coding-DNA position 1455, G replaced by A.
Protein change: p.Glu485=; no amino-acid change (glutamic acid 485 retained).
Molecular consequence: synonymous variant. On other transcripts: non-coding transcript variant (1).
Genome position (GRCh38, 1-based): chr9:127,818,351, C>T on the plus strand (G>A on the coding strand, the complement: ENG is on the minus strand). VCF-style: chr9-127818351-C-T. GRCh37 (hg19) VCF-style: chr9-130580630-C-T.
Other names: p.Glu485=; c.1455G>A (NM_001114753.1); c.1455G>A, p.Glu485= (NM_000118.4); c.909G>A, p.Glu303= (NM_001278138.2).
Identifiers: ClinVar variation 385734 (VCV000385734.22), dbSNP rs150456852, ClinGen allele CA5252754.

ClinVar aggregate classification (germline): Benign/Likely benign. Review status: criteria provided, multiple submitters, no conflicts (2 of 4 stars). 6 submissions from 6 submitters: Benign (3); Likely benign (3). Last evaluated 2026-07-06.

Conditions:
Cardiovascular phenotype. Identifiers: MedGen CN230736.
Hereditary hemorrhagic telangiectasia (HHT). Also called: Osler hemorrhagic telangiectasia syndrome; ORW DISEASE; Osler Weber Rendu syndrome; OSLER-RENDU-WEBER DISEASE. Identifiers: Orphanet 774, MedGen C0039445, MONDO:0019180. Disease mechanism: loss of function.

Allele frequency attached by ClinVar (database versions not stated): gnomAD exomes 0.00005 and 0.00017; gnomAD 0.00046 and 0.00048; 1000 Genomes Project 0.00240; ExAC 0.00024; TOPMed 0.00057; ESP Exome Variant Server 0.00062; 1000 Genomes Project 30x 0.00187.
gnomAD v4.1: 162 of 1,613,934 alleles (0.01%); highest among the groups gnomAD compares: African/African-American, 0.17%; 1 homozygote.

Submissions (6):

Ambry Genetics
Classification: Benign for Cardiovascular phenotype. Last evaluated: 2026-07-06. Review status: criteria provided, single submitter. Criteria: Ambry Variant Classification Scheme 2023. Collection method: clinical testing. Allele origin: germline.

Labcorp Genetics (formerly Invitae), Labcorp
Classification: Benign for Hereditary hemorrhagic telangiectasia. Last evaluated: 2025-10-21. Review status: criteria provided, single submitter. Criteria: Invitae Variant Classification Sherloc (09022015). Collection method: clinical testing. Allele origin: germline.

Mayo Clinic Laboratories, Mayo Clinic
Classification: Likely benign. Last evaluated: 2025-10-09. Review status: criteria provided, single submitter. Criteria: ACMG Guidelines, 2015. Collection method: clinical testing. Allele origin: germline. Observed: 1 variant allele.
Comment: BS1_supporting

Blueprint Genetics
Classification: Likely benign. Last evaluated: 2024-04-11. Review status: criteria provided, single submitter. Criteria: ACMG Guidelines, 2015. Collection method: clinical testing. Allele origin: germline.

GeneDx
Classification: Likely benign. Last evaluated: 2020-03-26. Review status: criteria provided, single submitter. Criteria: GeneDx Variant Classification Process June 2021. Collection method: clinical testing. Allele origin: germline. Affected: yes.

ARUP Laboratories, Molecular Genetics and Genomics, ARUP Laboratories
Classification: Benign. Last evaluated: 2017-05-17. Review status: criteria provided, single submitter. Criteria: ARUP Molecular Germline Variant Investigation Process. Collection method: clinical testing. Allele origin: germline.